The following is an entry in ClinVar:

NM_058216.3(RAD51C):c.1028C>G (p.Pro343Arg)

Gene: RAD51C (RAD51 paralog C; plus strand). Cytogenetic location: 17q22.
Variant type: single nucleotide variant.
Coding change: c.1028C>G on transcript NM_058216.3 (MANE Select); coding-DNA position 1028, C replaced by G.
Protein change: p.Pro343Arg; replaces proline 343 with arginine.
Molecular consequence: missense variant. On other transcripts: non-coding transcript variant (1).
Genome position (GRCh38, 1-based): chr17:58,734,119, C>G. VCF-style: chr17-58734119-C-G. GRCh37 (hg19) VCF-style: chr17-56811480-C-G.
Other names: short protein forms P343R.
Identifiers: ClinVar variation 931430 (VCV000931430.5), dbSNP rs2049559202, ClinGen allele CA400365811.
Genomic context (GRCh38, chr17:58,734,119, plus strand): 5'-TAAGATCAGTCTTCAAATGTTCTTAAAGCATATTTGTATATATATTTTTTATCTTTCAGC[C>G]TCAGGGATTTAGAGATACTGTTGTTACTTCTGCATGTTCATTGCAAACAGAAGGTTCCTT-3'
Protein context (NP_478123.1, residues 333-353): KECTVLFQIK[Pro343Arg]QGFRDTVVTS

ClinVar aggregate classification (germline): Conflicting classifications of pathogenicity. Review status: criteria provided, conflicting classifications (1 of 4 stars). 2 submissions from 2 submitters: Uncertain significance (1); Likely benign (1). Last evaluated 2024-02-26.

Conditions:
Hereditary cancer-predisposing syndrome. Also called: Tumor predisposition; Hereditary neoplastic syndrome; Neoplastic Syndromes, Hereditary; Hereditary Cancer Syndrome. Identifiers: Orphanet 140162, MedGen C0027672, MeSH D009386, MONDO:0015356.
Fanconi anemia complementation group O. Also called: RAD51C-Related Fanconi Anemia. Identifiers: Orphanet 84, MedGen C3150653, MONDO:0013248, OMIM 613390.

Submissions (2):

Ambry Genetics
Classification: Likely benign for Hereditary cancer-predisposing syndrome. Last evaluated: 2024-02-26. Review status: criteria provided, single submitter. Criteria: Ambry Variant Classification Scheme 2023. Collection method: clinical testing. Allele origin: germline.

Centre for Mendelian Genomics, University Medical Centre Ljubljana
Classification: Uncertain significance for Fanconi anemia complementation group O. Last evaluated: 2016-01-01. Review status: criteria provided, single submitter. Criteria: ACMG Guidelines, 2015. Collection method: clinical testing. Allele origin: unknown. Affected: yes.
Comment: This variant was classified as: Uncertain significance. The following ACMG criteria were applied in classifying this variant: PM2.